The following is an entry in ClinVar:

ClinVar aggregate classification (germline): Uncertain significance. Review status: criteria provided, multiple submitters, no conflicts (2 of 4 stars). 2 submissions from 2 submitters: Uncertain significance (2). Last evaluated 2025-09-01.

Conditions:
Inborn genetic diseases. Identifiers: MedGen C0950123, MeSH D030342.

Allele frequency attached by ClinVar (database versions not stated): gnomAD 0.00001; gnomAD exomes 0.00001; TOPMed 0.00001.

Submissions (2):

CeGaT Center for Human Genetics Tuebingen
Classification: Uncertain significance. Last evaluated: 2025-09-01. Review status: criteria provided, single submitter. Criteria: CeGaT Center For Human Genetics Tuebingen Variant Classification Criteria Version 2. Collection method: clinical testing. Allele origin: germline. Affected: yes. Observed: 1 variant allele.
Comment: STAT2: PM2, PP2

Ambry Genetics
Classification: Uncertain significance for Inborn genetic diseases. Last evaluated: 2023-05-31. Review status: criteria provided, single submitter. Criteria: Ambry Variant Classification Scheme 2023. Collection method: clinical testing. Allele origin: germline.

NM_005419.4(STAT2):c.1814C>T (p.Ser605Leu)

Gene: STAT2 (signal transducer and activator of transcription 2; minus strand). Cytogenetic location: 12q13.3.
Variant type: single nucleotide variant.
Coding change: c.1814C>T on transcript NM_005419.4 (MANE Select); coding-DNA position 1814, C replaced by T.
Protein change: p.Ser605Leu; replaces serine 605 with leucine.
Molecular consequence: missense variant.
Genome position (GRCh38, 1-based): chr12:56,346,866, G>A on the plus strand (C>T on the coding strand, the complement: STAT2 is on the minus strand). VCF-style: chr12-56346866-G-A. GRCh37 (hg19) VCF-style: chr12-56740650-G-A.
Other names: c.1781C>T, p.Ser594Leu (NM_001385110.1); c.1715C>T, p.Ser572Leu (NM_001385111.1); c.1814C>T, p.Ser605Leu (NM_001385113.1); c.1793C>T, p.Ser598Leu (NM_001385114.1); c.1772C>T, p.Ser591Leu (NM_001385115.1); c.1802C>T, p.Ser601Leu (NM_198332.2); short protein forms S598L, S591L, S601L, S605L, S572L, S594L.
Identifiers: ClinVar variation 2521203 (VCV002521203.9), dbSNP rs1163757151, ClinGen allele CA385260001.